The following is an entry in ClinVar:

ClinVar aggregate classification (germline): Likely pathogenic (1 of 4 stars; one submission).

Submission:

GeneDx
Classification: Likely pathogenic. Last evaluated: 2017-07-03. Review status: criteria provided, single submitter. Criteria: GeneDx Variant Classification (06012015). Collection method: clinical testing. Allele origin: germline. Affected: yes.
Comment: This insertion of one nucleotide in PALB2 is denoted c.774_775insC at the cDNA level and p.Ser259GlnfsX5 (S259QfsX5) at the protein level. The normal sequence, with the base that is inserted in brackets, is TAGT[insC]AGTC. The insertion causes a frameshift which changes a Serine to a Glutamine at codon 259, and creates a premature stop codon at position 5 of the new reading frame. Although this variant has not, to our knowledge, been reported in the literature, it is predicted to cause loss of normal protein function through either protein truncation or nonsense-mediated mRNA decay. Based on the currently available information, we consider this insertion to be a likely pathogenic variant.

NM_024675.4(PALB2):c.774_775insC (p.Ser259fs)

Gene: PALB2 (partner and localizer of BRCA2; minus strand). Cytogenetic location: 16p12.2.
Variant type: Insertion.
Coding change: c.774_775insC on transcript NM_024675.4 (MANE Select); coding-DNA positions 774 to 775, C inserted.
Protein change: p.Ser259fs; shifts the reading frame from serine 259.
Molecular consequence: frameshift variant.
Genome position: GRCh38 VCF-style: chr16-23635771-T-TG. GRCh37 (hg19) VCF-style: chr16-23647092-T-TG.
Other names: short protein forms S259fs.
Identifiers: ClinVar variation 545801 (VCV000545801.2), dbSNP rs1555461628, ClinGen allele CA658824047.